The following is an entry in ClinVar:

NM_024312.5(GNPTAB):c.2761A>T (p.Lys921Ter)

Gene: GNPTAB (N-acetylglucosamine-1-phosphate transferase subunits alpha and beta; minus strand). Cytogenetic location: 12q23.2.
Variant type: single nucleotide variant.
Coding change: c.2761A>T on transcript NM_024312.5 (MANE Select); coding-DNA position 2761, A replaced by T.
Protein change: p.Lys921Ter; replaces lysine 921 with a stop codon.
Molecular consequence: nonsense.
Genome position (GRCh38, 1-based): chr12:101,761,718, T>A on the plus strand (A>T on the coding strand, the complement: GNPTAB is on the minus strand). VCF-style: chr12-101761718-T-A. GRCh37 (hg19) VCF-style: chr12-102155496-T-A.
Other names: short protein forms K921*.
Identifiers: ClinVar variation 983857 (VCV000983857.4), dbSNP rs1952999818, ClinGen allele CA386296415.
Genomic context (GRCh38, chr12:101,761,718, plus strand): 5'-TTTTATTTACATATCTGAGGGAATCTGCAAATGTATCTTTTAGTTGCCTCCCAGTATTTT[T>A]GCTATCAGTGAAGTATGCCAATTGTGTCTTCAATGACTCTTCTTCCTGAAAAGAGAATTC-3'

ClinVar aggregate classification (germline): Likely pathogenic (1 of 4 stars; one submission).

Conditions:
GNPTAB-mucolipidosis. Also called: UDP-N-acetylglucosamine-1-phosphotransferase subunit alpha/beta deficiency. Identifiers: MedGen CN322573, MONDO:0100122.

Submission:

Myriad Genetics, Inc.
Classification: Likely pathogenic for GNPTAB-mucolipidosis. Last evaluated: 2019-05-30. Review status: criteria provided, single submitter. Criteria: Myriad Autosomal Dominant, Autosomal Recessive and X-Linked Classification Criteria (2023). Collection method: clinical testing. Allele origin: unknown.
Comment: NM_024312.4(GNPTAB):c.2761A>T(K921*) is expected to be pathogenic in the context of GNPTAB-related disorders. This variant is predicted to lead to an abnormal or absent protein product due to the creation of a premature termination codon in GNPTAB, a gene where loss-of-function variants are known to be pathogenic. Please note: this variant was assessed in the context of healthy population screening.